The following is an entry in ClinVar:

ClinVar aggregate classification (germline): Pathogenic (1 of 4 stars; one submission).

Conditions:
Nemaline myopathy 8 (NEM8). Also called: Nemaline myopathy 8, autosomal recessive. Identifiers: Orphanet 171430, MedGen C3809209, MONDO:0014138, OMIM 615348.

Submission:

Labcorp Genetics (formerly Invitae), Labcorp
Classification: Pathogenic for Nemaline myopathy 8. Last evaluated: 2021-10-22. Review status: criteria provided, single submitter. Criteria: Invitae Variant Classification Sherloc (09022015). Collection method: clinical testing. Allele origin: germline.
Comment: For these reasons, this variant has been classified as Pathogenic. This variant has not been reported in the literature in individuals with KLHL40-related conditions. This variant is not present in population databases (ExAC no frequency). This sequence change creates a premature translational stop signal (p.Leu310Cysfs*13) in the KLHL40 gene. It is expected to result in an absent or disrupted protein product. Loss-of-function variants in KLHL40 are known to be pathogenic (PMID: 23746549).

Literature cited by the submitters: PubMed 23746549.

NM_152393.4(KLHL40):c.928del (p.Leu310fs)

Gene: KLHL40 (kelch like family member 40; plus strand). Cytogenetic location: 3p22.1.
Variant type: Deletion.
Coding change: c.928del on transcript NM_152393.4 (MANE Select); coding-DNA position 928, one base deleted (C; older notation c.928delC).
Protein change: p.Leu310fs; shifts the reading frame from leucine 310.
Molecular consequence: frameshift variant.
Genome position (GRCh38, 1-based): chr3:42,686,546, C deleted; the last of 3 consecutive C bases (chr3:42,686,544-42,686,546); deleting any one gives the same sequence. VCF-style (leftmost placement, unchanged base first): chr3-42686543-AC-A. GRCh37 (hg19) VCF-style: chr3-42728035-AC-A.
Other names: short protein forms L310fs.
Identifiers: ClinVar variation 1411479 (VCV001411479.6), dbSNP rs1055019439, ClinGen allele CA74192028.
Genomic context (GRCh38, chr3:42,686,543, plus strand): 5'-AAAGCCAAAGCAGAGGAGGATGAGGAGGCCGAACGTATCCTTCCTGGGATCCTCAATGAC[AC>A]CCTGCGCTTCGGCATGTTCCTGCAGGATCTCATCTTCATGATCAGTGAGGAGGGCGCTGT-3'